The following is an entry in ClinVar:

ClinVar aggregate classification (germline): Conflicting classifications of pathogenicity. Review status: criteria provided, conflicting classifications (1 of 4 stars). 5 submissions from 5 submitters: Uncertain significance (2); Likely benign (2). 1 of the submissions does not count toward it. Last evaluated 2025-07-30.

Conditions:
Spastic paraplegia. Identifiers: MedGen C0037772, HP:0001258.
Hereditary spastic paraplegia 10 (SPG10). Also called: SPASTIC PARAPLEGIA 10, AUTOSOMAL DOMINANT; SPASTIC PARAPLEGIA 10 WITH OR WITHOUT PERIPHERAL NEUROPATHY; SPASTIC PARAPLEGIA 10 WITH PERIPHERAL NEUROPATHY. Identifiers: Orphanet 100991, MedGen C1858712, MONDO:0011408, OMIM 604187.

Allele frequency attached by ClinVar (database versions not stated): ExAC 0.00001; gnomAD exomes 0.00001; gnomAD 0.00002; TOPMed 0.00003.
gnomAD v4.1: 19 of 1,613,762 alleles (0.0012%); highest among the groups gnomAD compares: African/African-American, 0.0067%; no homozygotes.

Submissions (5):

Labcorp Genetics (formerly Invitae), Labcorp
Classification: Likely benign for Spastic paraplegia. Last evaluated: 2025-07-30. Review status: criteria provided, single submitter. Criteria: Invitae Variant Classification Sherloc (09022015). Collection method: clinical testing. Allele origin: germline.

Women's Health and Genetics/Laboratory Corporation of America, LabCorp
Classification: Uncertain significance. Last evaluated: 2024-03-29. Review status: criteria provided, single submitter. Criteria: LabCorp Variant Classification Summary - May 2015. Collection method: clinical testing. Allele origin: germline.
Comment: Variant summary: KIF5A c.2263G>A (p.Glu755Lys) results in a conservative amino acid change located in the stalk domain (Crimella_2012) of the encoded protein sequence. Four of five in-silico tools predict a benign effect of the variant on protein function. The variant allele was found at a frequency of 1.2e-05 in 251394 control chromosomes (gnomAD). The available data on variant occurrences in the general population are insufficient to allow any conclusion about variant significance. c.2263G>A has been reported in the literature in individuals affected with KIF5A-Related Disorders (Crimella_2012, Simone_2018, Du_2020, Grassano_2021). These data do not allow any conclusion about variant significance. To our knowledge, no experimental evidence demonstrating an impact on protein function has been reported. The following publications have been ascertained in the context of this evaluation (PMID: 21623771, 33155544, 35896380, 33208543, 30581417). ClinVar contains an entry for this variant (Variation ID: 37128). Based on the evidence outlined above, the variant was classified as uncertain significance.

Blueprint Genetics
Classification: Likely benign. Last evaluated: 2023-09-21. Review status: criteria provided, single submitter. Criteria: ACMG Guidelines, 2015. Collection method: clinical testing. Allele origin: germline.

GeneDx
Classification: Uncertain significance. Last evaluated: 2018-09-28. Review status: criteria provided, single submitter. Criteria: GeneDx Variant Classification (06012015). Collection method: clinical testing. Allele origin: germline. Affected: yes.
Comment: The E755K variant in the KIF5A gene has been reported previously in a patient of HSP and this individual's father who displayed subclinical signs of HSP; however, not all genes associated with HSP were evaluated in this study (Crimella et al., 2012). The E755K variant is not observed at a significant frequency in large population cohorts (Lek et al., 2016; 1000 Genomes Consortium et al., 2015; Exome Variant Server). The E755K variant is a non-conservative amino acid substitution, which is likely to impact secondary protein structure as these residues differ in polarity, charge, size and/or other properties. This substitution occurs at a position that is conserved in mammals. In silico analysis is inconsistent in its predictions as to whether or not the variant is damaging to the protein structure/function. We interpret E755K as a variant of uncertain significance.

OMIM
Classification: Pathogenic for SPASTIC PARAPLEGIA 10. Last evaluated: 2012-08-01. Review status: no assertion criteria provided. Collection method: literature only. Allele origin: germline. Not counted in ClinVar's aggregate classification.

Literature cited by the submitters: PubMed 21623771 (cited by Women's Health and Genetics/Laboratory Corporation of America, LabCorp and OMIM); PubMed 35896380 (cited by Women's Health and Genetics/Laboratory Corporation of America, LabCorp); PubMed 33155544 (cited by Women's Health and Genetics/Laboratory Corporation of America, LabCorp); PubMed 33208543 (cited by Women's Health and Genetics/Laboratory Corporation of America, LabCorp); PubMed 30581417 (cited by Women's Health and Genetics/Laboratory Corporation of America, LabCorp).

NM_004984.4(KIF5A):c.2263G>A (p.Glu755Lys)

Gene: KIF5A (kinesin family member 5A; plus strand). Cytogenetic location: 12q13.3.
Variant type: single nucleotide variant.
Coding change: c.2263G>A on transcript NM_004984.4 (MANE Select); coding-DNA position 2263, G replaced by A.
Protein change: p.Glu755Lys; replaces glutamic acid 755 with lysine.
Molecular consequence: missense variant.
Genome position (GRCh38, 1-based): chr12:57,576,825, G>A. VCF-style: chr12-57576825-G-A. GRCh37 (hg19) VCF-style: chr12-57970608-G-A.
Other names: c.1996G>A, p.Glu666Lys (NM_001354705.2); short protein forms E755K, E666K.
Identifiers: ClinVar variation 37128 (VCV000037128.11), dbSNP rs387907286, ClinGen allele CA130085.
Genomic context (GRCh38, chr12:57,576,825, plus strand): 5'-AATCAGAAGCTCCAGTTAGAGCTAGAGAAGCTTCAGGCTGACTACGAGAAGCTGAAGAGC[G>A]AAGAACACGAGAAGAGCACCAAGCTGCAGGAGCTGACGTGAGTGGCATGGATTTACCTGT-3'
Protein context (NP_004975.2, residues 745-765): LQADYEKLKS[Glu755Lys]EHEKSTKLQE